The following is an entry in ClinVar:

ClinVar aggregate classification (germline): Likely benign (1 of 4 stars; one submission).

gnomAD v4.1: 1 of 1,613,002 alleles (0.000062%); highest among the groups gnomAD compares: East Asian, 0.0022%; no homozygotes.

Submission:

CeGaT Center for Human Genetics Tuebingen
Classification: Likely benign. Last evaluated: 2026-05-01. Review status: criteria provided, single submitter. Criteria: CeGaT Center For Human Genetics Tuebingen Variant Classification Criteria Version 2. Collection method: clinical testing. Allele origin: germline. Affected: yes. Observed: 1 variant allele.
Comment: KIF19: BP4, BP7

NM_153209.4(KIF19):c.1890A>G (p.Glu630=)

Gene: KIF19 (kinesin family member 19; plus strand). Cytogenetic location: 17q25.1.
Variant type: single nucleotide variant.
Coding change: c.1890A>G on transcript NM_153209.4 (MANE Select); coding-DNA position 1890, A replaced by G.
Protein change: p.Glu630=; no amino-acid change (glutamic acid 630 retained).
Molecular consequence: synonymous variant.
Genome position (GRCh38, 1-based): chr17:74,352,250, A>G. VCF-style: chr17-74352250-A-G. GRCh37 (hg19) VCF-style: chr17-72348389-A-G.
Identifiers: ClinVar variation 4873835 (VCV004873835.2).